The following is an entry in ClinVar:

NM_001166114.2(PNPLA6):c.187A>G (p.Thr63Ala)

Gene: PNPLA6 (patatin like domain 6, lysophospholipase; plus strand). Cytogenetic location: 19p13.2.
Variant type: single nucleotide variant.
Coding change: c.187A>G on transcript NM_001166114.2 (MANE Select); coding-DNA position 187, A replaced by G.
Protein change: p.Thr63Ala; replaces threonine 63 with alanine.
Molecular consequence: missense variant.
Genome position (GRCh38, 1-based): chr19:7,535,975, A>G. VCF-style: chr19-7535975-A-G. GRCh37 (hg19) VCF-style: chr19-7600861-A-G.
Other names: c.214A>G, p.Thr72Ala (NM_001166111.2); c.70A>G, p.Thr24Ala (NM_001166112.2, NM_001166113.1, NM_006702.5); short protein forms T24A, T63A, T72A.
Identifiers: ClinVar variation 4875323 (VCV004875323.2).

ClinVar aggregate classification (germline): Uncertain significance (1 of 4 stars; one submission).

gnomAD v4.1: 2 of 1,581,046 alleles (0.00013%); highest among the groups gnomAD compares: Non-Finnish European, 0.000086%; no homozygotes.

Submission:

CeGaT Center for Human Genetics Tuebingen
Classification: Uncertain significance. Last evaluated: 2026-06-01. Review status: criteria provided, single submitter. Criteria: CeGaT Center For Human Genetics Tuebingen Variant Classification Criteria Version 2. Collection method: clinical testing. Allele origin: germline. Affected: yes. Observed: 1 variant allele.
Comment: PNPLA6: PM2, PP2